The following is an entry in ClinVar:

ClinVar aggregate classification (germline): Uncertain significance (1 of 4 stars; one submission).

Submission:

Labcorp Genetics (formerly Invitae), Labcorp
Classification: Uncertain significance. Last evaluated: 2023-04-24. Review status: criteria provided, single submitter. Criteria: Invitae Variant Classification Sherloc (09022015). Collection method: clinical testing. Allele origin: germline.
Comment: In summary, the available evidence is currently insufficient to determine the role of this variant in disease. Therefore, it has been classified as a Variant of Uncertain Significance. Studies have shown that this variant is associated with altered splicing resulting in unknown protein product impact (PMID: 31397521). ClinVar contains an entry for this variant (Variation ID: 1916199). This variant has been observed in individual(s) with ABCA4-related conditions (PMID: 31397521; Invitae). This variant is not present in population databases (gnomAD no frequency). This sequence change falls in intron 40 of the ABCA4 gene. It does not directly change the encoded amino acid sequence of the ABCA4 protein.

Literature cited by the submitters: PubMed 31397521.

NM_000350.3(ABCA4):c.5715-5T>G

Gene: ABCA4 (ATP binding cassette subfamily A member 4; minus strand). Cytogenetic location: 1p22.1.
Variant type: single nucleotide variant.
Coding change: c.5715-5T>G on transcript NM_000350.3 (MANE Select); 5 bases into the intron before coding-DNA position 5715, T replaced by G.
Molecular consequence: intron variant.
Genome position (GRCh38, 1-based): chr1:94,008,876, A>C on the plus strand (T>G on the coding strand, the complement: ABCA4 is on the minus strand). VCF-style: chr1-94008876-A-C. GRCh37 (hg19) VCF-style: chr1-94474432-A-C.
Identifiers: ClinVar variation 1916199 (VCV001916199.5), dbSNP rs372026650, ClinGen allele CA2580063543.